The following is an entry in ClinVar:

ClinVar aggregate classification (germline): Uncertain significance. Review status: criteria provided, multiple submitters, no conflicts (2 of 4 stars). 4 submissions from 4 submitters: Uncertain significance (3). 1 of the submissions does not count toward it. Last evaluated 2025-10-16.

Conditions:
CFTR-related disorder (CFTR-RD). Also called: CFTR-related disorders; CFTR-related condition. Identifiers: MedGen C5924204, MONDO:7770004.
Cystic fibrosis (CF). Also called: MUCOVISCIDOSIS. Identifiers: Orphanet 586, MedGen C0010674, MONDO:0009061, OMIM 219700. Disease mechanism: loss of function.

Allele frequency attached by ClinVar (database versions not stated): gnomAD 0.00003; gnomAD exomes below 0.00001; TOPMed below 0.00001.
gnomAD v4.1: 1 of 1,607,968 alleles (0.000062%); highest among the groups gnomAD compares: Non-Finnish European, 0.000085%; no homozygotes.

Submissions (4):

Ambry Genetics
Classification: Uncertain significance for Cystic fibrosis. Last evaluated: 2025-10-16. Review status: criteria provided, single submitter. Criteria: Ambry Variant Classification Scheme 2023. Collection method: clinical testing. Allele origin: germline.
Comment: The p.A534S variant (also known as c.1600G>T), located in coding exon 12 of the CFTR gene, results from a G to T substitution at nucleotide position 1600. The alanine at codon 534 is replaced by serine, an amino acid with similar properties. This amino acid position is not well conserved in available vertebrate species. In addition, the in silico prediction for this alteration is inconclusive. Since supporting evidence is limited at this time, the clinical significance of this alteration remains unclear.

Labcorp Genetics (formerly Invitae), Labcorp
Classification: Uncertain significance for Cystic fibrosis. Last evaluated: 2021-10-24. Review status: criteria provided, single submitter. Criteria: Invitae Variant Classification Sherloc (09022015). Collection method: clinical testing. Allele origin: germline.
Comment: In summary, the available evidence is currently insufficient to determine the role of this variant in disease. Therefore, it has been classified as a Variant of Uncertain Significance. Algorithms developed to predict the effect of missense changes on protein structure and function output the following: SIFT: "Tolerated"; PolyPhen-2: "Benign"; Align-GVGD: "Class C15". The serine amino acid residue is found in multiple mammalian species, which suggests that this missense change does not adversely affect protein function. ClinVar contains an entry for this variant (Variation ID: 495902). This variant has not been reported in the literature in individuals affected with CFTR-related conditions. This variant is present in population databases (no rsID available, gnomAD 0.007%). This sequence change replaces alanine, which is neutral and non-polar, with serine, which is neutral and polar, at codon 534 of the CFTR protein (p.Ala534Ser).

Women's Health and Genetics/Laboratory Corporation of America, LabCorp
Classification: Uncertain significance. Last evaluated: 2017-04-27. Review status: criteria provided, single submitter. Criteria: LabCorp Variant Classification Summary - May 2015. Collection method: clinical testing. Allele origin: germline.
Comment: Variant summary: The CFTR c.1600G>T (p.Ala534Ser) variant causes a missense change involving the alteration of a non-conserved nucleotide. 3/5 in silico tools predict a damaging outcome for this variant. The variant of interest is absent in a large, broad control population, ExAC in 120744 control chromosomes. The variant of interest has not, to our knowledge, been reported in affected individuals via publications and/or reputable databases/clinical diagnostic laboratories; nor evaluated for functional impact by in vivo/vitro studies. Because of the absence of clinical information and the lack of functional studies, the variant is classified as a variant of uncertain significance (VUS).

Natera, Inc.
Classification: Uncertain significance for CFTR-related disorders. Last evaluated: 2018-10-29. Review status: no assertion criteria provided. Collection method: clinical testing. Allele origin: germline. Not counted in ClinVar's aggregate classification.

NM_000492.4(CFTR):c.1600G>T (p.Ala534Ser)

Genes: CFTR (CF transmembrane conductance regulator; plus strand), LOC111674475 (CFTR intron 11 enhancer; plus strand). Cytogenetic location: 7q31.2.
Variant type: single nucleotide variant.
Coding change: c.1600G>T on transcript NM_000492.4 (MANE Select); coding-DNA position 1600, G replaced by T.
Protein change: p.Ala534Ser; replaces alanine 534 with serine.
Molecular consequence: missense variant.
Genome position (GRCh38, 1-based): chr7:117,587,754, G>T. VCF-style: chr7-117587754-G-T. GRCh37 (hg19) VCF-style: chr7-117227808-G-T.
Other names: short protein forms A534S.
Identifiers: ClinVar variation 495902 (VCV000495902.9), dbSNP rs1276867493, ClinGen allele CA368975883.
Genomic context (GRCh38, chr7:117,587,754, plus strand): 5'-GAGCATACTAAAAGTGACTCTCTAATTTTCTATTTTTGGTAATAGGACATCTCCAAGTTT[G>T]CAGAGAAAGACAATATAGTTCTTGGAGAAGGTGGAATCACACTGAGTGGAGGTCAACGAG-3'
Protein context (NP_000483.3, residues 524-544): CQLEEDISKF[Ala534Ser]EKDNIVLGEG